The following is an entry in ClinVar:

NM_002386.4(MC1R):c.847T>A (p.Phe283Ile)

Gene: MC1R (melanocortin 1 receptor; plus strand). Cytogenetic location: 16q24.3.
Variant type: single nucleotide variant.
Coding change: c.847T>A on transcript NM_002386.4 (MANE Select); coding-DNA position 847, T replaced by A.
Protein change: p.Phe283Ile; replaces phenylalanine 283 with isoleucine.
Molecular consequence: missense variant.
Genome position (GRCh38, 1-based): chr16:89,920,105, T>A. VCF-style: chr16-89920105-T-A. GRCh37 (hg19) VCF-style: chr16-89986513-T-A.
Other names: c.847T>A (NM_002386.3); short protein forms F283I.
Identifiers: ClinVar variation 1962326 (VCV001962326.6), dbSNP rs990355156, ClinGen allele CA397463484.

ClinVar aggregate classification (germline): Uncertain significance. Review status: criteria provided, multiple submitters, no conflicts (2 of 4 stars). 2 submissions from 2 submitters: Uncertain significance (2). Last evaluated 2025-08-07.

Conditions:
Melanoma, cutaneous malignant, susceptibility to, 5. Also called: Cutaneous malignant melanoma 5. Identifiers: Orphanet 618, MedGen C2751295, MONDO:0013133, OMIM 613099.

Allele frequency attached by ClinVar (database versions not stated): TOPMed 0.00010; gnomAD 0.00013.
gnomAD v4.1: 34 of 1,613,832 alleles (0.0021%); highest among the groups gnomAD compares: Admixed American, 0.057%; 1 homozygote.

Submissions (2):

Ambry Genetics
Classification: Uncertain significance. Last evaluated: 2025-08-07. Review status: criteria provided, single submitter. Criteria: Ambry Variant Classification Scheme 2023. Collection method: clinical testing. Allele origin: germline.
Comment: The p.F283I variant (also known as c.847T>A), located in coding exon 1 of the MC1R gene, results from a T to A substitution at nucleotide position 847. The phenylalanine at codon 283 is replaced by isoleucine, an amino acid with highly similar properties. This amino acid position is conserved. In addition, the in silico prediction for this alteration is inconclusive. Based on the available evidence, the clinical significance of this variant remains unclear.

Labcorp Genetics (formerly Invitae), Labcorp
Classification: Uncertain significance for Melanoma, cutaneous malignant, susceptibility to, 5. Last evaluated: 2025-07-21. Review status: criteria provided, single submitter. Criteria: Invitae Variant Classification Sherloc (09022015). Collection method: clinical testing. Allele origin: germline.
Comment: This sequence change replaces phenylalanine, which is neutral and non-polar, with isoleucine, which is neutral and non-polar, at codon 283 of the MC1R protein (p.Phe283Ile). This variant is present in population databases (no rsID available, gnomAD 0.04%). This variant has not been reported in the literature in individuals affected with MC1R-related conditions. ClinVar contains an entry for this variant (Variation ID: 1962326). Invitae Evidence Modeling of protein sequence and biophysical properties (such as structural, functional, and spatial information, amino acid conservation, physicochemical variation, residue mobility, and thermodynamic stability) indicates that this missense variant is not expected to disrupt MC1R protein function with a negative predictive value of 80%. In summary, the available evidence is currently insufficient to determine the role of this variant in disease. Therefore, it has been classified as a Variant of Uncertain Significance.